The following is an entry in ClinVar:

ClinVar aggregate classification (germline): Conflicting classifications of pathogenicity. Review status: criteria provided, conflicting classifications (1 of 4 stars). 6 submissions from 6 submitters: Uncertain significance (2); Likely benign (2). 2 of the submissions do not count toward it. Last evaluated 2026-04-28.

Conditions:
Primary ciliary dyskinesia. Also called: Ciliary dyskinesia. Identifiers: Orphanet 244, MedGen C0008780, MONDO:0016575, HP:0012265.
Primary ciliary dyskinesia 3. Identifiers: Orphanet 244, MedGen C1837618, MONDO:0012085, OMIM 608644.

Allele frequency attached by ClinVar (database versions not stated): gnomAD exomes 0.00004 and 0.00010; ExAC 0.00010; 1000 Genomes Project 0.00020; 1000 Genomes Project 30x 0.00031; TOPMed 0.00055; gnomAD 0.00056 and 0.00061.
gnomAD v4.1: 151 of 1,613,876 alleles (0.0094%); highest among the groups gnomAD compares: African/African-American, 0.15%; 4 homozygotes.

Submissions (6):

Ambry Genetics
Classification: Likely benign for Primary ciliary dyskinesia. Last evaluated: 2026-04-28. Review status: criteria provided, single submitter. Criteria: Ambry Variant Classification Scheme 2023. Collection method: clinical testing. Allele origin: germline.

Labcorp Genetics (formerly Invitae), Labcorp
Classification: Likely benign for Primary ciliary dyskinesia. Last evaluated: 2026-01-27. Review status: criteria provided, single submitter. Criteria: Invitae Variant Classification Sherloc (09022015). Collection method: clinical testing. Allele origin: germline.

Genomic Medicine Center of Excellence, King Faisal Specialist Hospital and Research Centre
Classification: Uncertain significance for Primary ciliary dyskinesia 3. Last evaluated: 2024-12-19. Review status: criteria provided, single submitter. Criteria: ACMG Guidelines, 2015. Collection method: clinical testing. Allele origin: germline.

Baylor Genetics
Classification: Uncertain significance for Primary ciliary dyskinesia 3. Last evaluated: 2018-05-25. Review status: criteria provided, single submitter. Criteria: ACMG Guidelines, 2015. Collection method: clinical testing. Allele origin: paternal. Affected: yes.
Comment: This variant was determined to be of uncertain significance according to ACMG Guidelines, 2015 [PMID:25741868].

Natera, Inc.
Classification: Uncertain significance for Primary ciliary dyskinesia. Last evaluated: 2020-02-26. Review status: no assertion criteria provided. Collection method: clinical testing. Allele origin: germline. Not counted in ClinVar's aggregate classification.

Counsyl
Classification: Uncertain significance for Primary ciliary dyskinesia 3. Last evaluated: 2017-03-24. Review status: no assertion criteria provided. Collection method: clinical testing. Allele origin: unknown. Not counted in ClinVar's aggregate classification.

NM_001369.3(DNAH5):c.11231C>A (p.Thr3744Asn)

Genes: DNAH5 (dynein axonemal heavy chain 5; minus strand), LOC107457585 (meiotic recombination hotspot J; plus strand). Cytogenetic location: 5p15.2.
Variant type: single nucleotide variant.
Coding change: c.11231C>A on transcript NM_001369.3 (MANE Select); coding-DNA position 11231, C replaced by A.
Protein change: p.Thr3744Asn; replaces threonine 3744 with asparagine.
Molecular consequence: missense variant.
Genome position (GRCh38, 1-based): chr5:13,737,476, G>T on the plus strand (C>A on the coding strand, the complement: DNAH5 is on the minus strand). VCF-style: chr5-13737476-G-T. GRCh37 (hg19) VCF-style: chr5-13737585-G-T.
Other names: short protein forms T3744N.
Identifiers: ClinVar variation 238957 (VCV000238957.20), dbSNP rs529225111, ClinGen allele CA3202018.